The following is an entry in ClinVar:

ClinVar aggregate classification (germline): Uncertain significance (1 of 4 stars; one submission).

Submission:

GeneDx
Classification: Uncertain significance. Last evaluated: 2024-12-14. Review status: criteria provided, single submitter. Criteria: GeneDx Variant Classification Process June 2021. Collection method: clinical testing. Allele origin: germline. Affected: yes.
Comment: Not observed at significant frequency in large population cohorts (gnomAD); In silico analysis supports that this missense variant has a deleterious effect on protein structure/function; Identified in a patient who was small for gestational age and exhibited postnatal growth failure in published literature (PMID: 35583390); This variant is associated with the following publications: (PMID: 35583390)

NM_000163.5(GHR):c.1274G>A (p.Cys425Tyr)

Gene: GHR (growth hormone receptor; plus strand). Cytogenetic location: 5p12.
Variant type: single nucleotide variant.
Coding change: c.1274G>A on transcript NM_000163.5 (MANE Select); coding-DNA position 1274, G replaced by A.
Protein change: p.Cys425Tyr; replaces cysteine 425 with tyrosine.
Molecular consequence: missense variant. On other transcripts: 3 prime UTR variant (1).
Genome position (GRCh38, 1-based): chr5:42,718,781, G>A. VCF-style: chr5-42718781-G-A. GRCh37 (hg19) VCF-style: chr5-42718883-G-A.
Other names: c.1295G>A, p.Cys432Tyr (NM_001242399.2); c.1274G>A, p.Cys425Tyr (NM_001242400.2, NM_001242401.4, NM_001242402.2 and 4 more transcripts); c.1208G>A, p.Cys403Tyr (NM_001242460.2); c.*316G>A (NM_001242462.1); short protein forms C403Y, C425Y, C432Y.
Identifiers: ClinVar variation 3903241 (VCV003903241.1).